The following is an entry in ClinVar:

ClinVar aggregate classification (germline): Likely benign (1 of 4 stars; one submission).

Conditions:
MYH7B-related disorder. Also called: MYH7B-related condition.

gnomAD v4.1: 4 of 1,612,742 alleles (0.00025%); highest among the groups gnomAD compares: Admixed American, 0.0017%; no homozygotes.

Submission:

PreventionGenetics, part of Exact Sciences
Classification: Likely benign for MYH7B-related condition. Last evaluated: 2026-07-14. Review status: criteria provided, single submitter. Criteria: ACMG Guidelines, 2015. Collection method: clinical testing. Allele origin: germline.
Comment: This variant is classified as likely benign based on ACMG/AMP sequence variant interpretation guidelines (Richards et al. 2015 PMID: 25741868, with internal and published modifications).

NM_020884.7(MYH7B):c.1009-8C>T

Gene: MYH7B (myosin heavy chain 7B; plus strand). Cytogenetic location: 20q11.22.
Variant type: single nucleotide variant.
Coding change: c.1009-8C>T on transcript NM_020884.7 (MANE Select); 8 bases into the intron before coding-DNA position 1009, C replaced by T.
Molecular consequence: intron variant.
Genome position (GRCh38, 1-based): chr20:34,987,141, C>T. VCF-style: chr20-34987141-C-T. GRCh37 (hg19) VCF-style: chr20-33574944-C-T.
Identifiers: ClinVar variation 4979937 (VCV004979937.1).